The following is an entry in ClinVar:

ClinVar aggregate classification (germline): Uncertain significance (1 of 4 stars; one submission).

Conditions:
Mucopolysaccharidosis type 6 (MPS6). Also called: N-ACETYLGALACTOSAMINE-4-SULFATASE DEFICIENCY; MPS VI; MPS 6; Maroteaux Lamy syndrome; ARSB DEFICIENCY; ARYLSULFATASE B DEFICIENCY. Identifiers: Orphanet 583, MedGen C0026709, MONDO:0009661, OMIM 253200.

gnomAD v4.1: 1 of 1,534,284 alleles (0.000065%); highest among the groups gnomAD compares: African/African-American, 0.0014%; no homozygotes.

Submission:

Laboratory of Diagnosis and Therapy of Lysosomal Disorders, University of Padova
Classification: Uncertain significance for Mucopolysaccharidosis type 6. Last evaluated: 2018-01-01. Review status: criteria provided, single submitter. Criteria: ACMG Guidelines, 2015. Collection method: curation. Allele origin: germline. Affected: yes.
Comment: Absent from GnomAD (PM2);

Literature cited by the submitters: PubMed 24798265; PubMed 30118150.

NM_000046.5(ARSB):c.167G>A (p.Gly56Asp)

Genes: ARSB (arylsulfatase B; minus strand), LOC129994126 (ATAC-STARR-seq lymphoblastoid silent region 16127; plus strand). Cytogenetic location: 5q14.1.
Variant type: single nucleotide variant.
Coding change: c.167G>A on transcript NM_000046.5 (MANE Select); coding-DNA position 167, G replaced by A.
Protein change: p.Gly56Asp; replaces glycine 56 with aspartic acid.
Molecular consequence: missense variant.
Genome position (GRCh38, 1-based): chr5:78,985,082, C>T on the plus strand (G>A on the coding strand, the complement: ARSB is on the minus strand). VCF-style: chr5-78985082-C-T. GRCh37 (hg19) VCF-style: chr5-78280905-C-T.
Other names: c.167G>A, p.Gly56Asp (NM_198709.3); short protein forms G56D.
Identifiers: ClinVar variation 559731 (VCV000559731.1), dbSNP rs1554032211, ClinGen allele CA360196891.
Genomic context (GRCh38, chr5:78,985,082, plus strand): 5'-GCCAGCGCGTCCAGGTGCGGCGTGCGGATGCGGGAGCCGTGGAAGCCGACGTCGTTCCAG[C>T]CTAGGTCGTCTGCCAGCAAGAAGACCAGGTGGGGCGGCCGGCTGGCCCCGGCGCCCGAGC-3'
Protein context (NP_000037.2, residues 46-66): HLVFLLADDL[Gly56Asp]WNDVGFHGSR